The following is an entry in ClinVar:

NM_013352.4(DSE):c.2635C>T (p.Arg879Trp)

Gene: DSE (dermatan sulfate epimerase; plus strand). Cytogenetic location: 6q22.1.
Variant type: single nucleotide variant.
Coding change: c.2635C>T on transcript NM_013352.4 (MANE Select); coding-DNA position 2635, C replaced by T.
Protein change: p.Arg879Trp; replaces arginine 879 with tryptophan.
Molecular consequence: missense variant. On other transcripts: 3 prime UTR variant (2), non-coding transcript variant (1).
Genome position (GRCh38, 1-based): chr6:116,437,103, C>T. VCF-style: chr6-116437103-C-T. GRCh37 (hg19) VCF-style: chr6-116758266-C-T.
Other names: p.Arg879Trp; c.2635C>T, p.Arg879Trp (NM_001080976.3, NM_001322937.2, NM_001322938.2); c.2692C>T, p.Arg898Trp (NM_001322939.2); c.2074C>T, p.Arg692Trp (NM_001322940.2, NM_001322941.2); c.*1500C>T (NM_001322943.2, NM_001322944.2); c.1636C>T, p.Arg546Trp (NM_001374520.1); c.1600C>T, p.Arg534Trp (NM_001374521.1); short protein forms R534W, R546W, R692W, R879W, R898W.
Identifiers: ClinVar variation 1200367 (VCV001200367.16), dbSNP rs113277624, ClinGen allele CA3969848.

ClinVar aggregate classification (germline): Conflicting classifications of pathogenicity. Review status: criteria provided, conflicting classifications (1 of 4 stars). 5 submissions from 5 submitters: Uncertain significance (4); Likely benign (1). Last evaluated 2026-02-02.

Conditions:
Ehlers-Danlos syndrome, musculocontractural type 2 (EDSMC2). Identifiers: Orphanet 2953, MedGen C3809845, MONDO:0014236, OMIM 615539.
Ehlers-Danlos syndrome (EDS). Identifiers: Orphanet 98249, MedGen C0013720, MONDO:0020066.

Allele frequency attached by ClinVar (database versions not stated): ExAC 0.00006; ESP Exome Variant Server 0.00023.
gnomAD v4.1: 91 of 1,614,062 alleles (0.0056%); highest among the groups gnomAD compares: African/African-American, 0.0067%; no homozygotes.

Submissions (5):

Women's Health and Genetics/Laboratory Corporation of America, LabCorp
Classification: Uncertain significance. Last evaluated: 2026-02-02. Review status: criteria provided, single submitter. Criteria: LabCorp Variant Classification Summary - May 2015. Collection method: clinical testing. Allele origin: germline.
Comment: Variant summary: DSE c.2635C>T (p.Arg879Trp) results in a non-conservative amino acid change in the encoded protein sequence. Algorithms developed to predict the effect of missense changes on protein structure and function are either unavailable or do not agree on the potential impact of this missense change. The variant allele was found at a frequency of 7.2e-05 in 251324 control chromosomes. This frequency is not significantly higher than estimated for disease-causing variants in DSE, allowing no conclusion about variant significance. To our knowledge, no occurrence of c.2635C>T in individuals affected with DSE-related conditions and no experimental evidence demonstrating its impact on protein function have been reported. ClinVar contains an entry for this variant (Variation ID: 1200367). Based on the evidence outlined above, the variant was classified as uncertain significance.

Mayo Clinic Laboratories, Mayo Clinic
Classification: Likely benign. Last evaluated: 2025-08-19. Review status: criteria provided, single submitter. Criteria: ACMG Guidelines, 2015. Collection method: clinical testing. Allele origin: germline. Observed: 1 variant allele.
Comment: BS1, BP4_moderate

GeneDx
Classification: Uncertain significance. Last evaluated: 2024-06-21. Review status: criteria provided, single submitter. Criteria: GeneDx Variant Classification Process June 2021. Collection method: clinical testing. Allele origin: germline. Affected: yes.
Comment: Has not been previously published as pathogenic or benign to our knowledge; In silico analysis indicates that this missense variant does not alter protein structure/function

Labcorp Genetics (formerly Invitae), Labcorp
Classification: Uncertain significance for Ehlers-Danlos syndrome, musculocontractural type 2. Last evaluated: 2022-07-11. Review status: criteria provided, single submitter. Criteria: Invitae Variant Classification Sherloc (09022015). Collection method: clinical testing. Allele origin: germline.
Comment: This sequence change replaces arginine, which is basic and polar, with tryptophan, which is neutral and slightly polar, at codon 879 of the DSE protein (p.Arg879Trp). This variant is present in population databases (rs113277624, gnomAD 0.1%). This variant has not been reported in the literature in individuals affected with DSE-related conditions. ClinVar contains an entry for this variant (Variation ID: 1200367). Algorithms developed to predict the effect of missense changes on protein structure and function are either unavailable or do not agree on the potential impact of this missense change (SIFT: "Not Available"; PolyPhen-2: "Possibly Damaging"; Align-GVGD: "Not Available"). In summary, the available evidence is currently insufficient to determine the role of this variant in disease. Therefore, it has been classified as a Variant of Uncertain Significance.

Genome Diagnostics Laboratory, The Hospital for Sick Children
Classification: Uncertain significance for Ehlers-Danlos syndrome. Last evaluated: 2018-07-01. Review status: criteria provided, single submitter. Criteria: ACMG Guidelines, 2015. Collection method: clinical testing. Allele origin: germline.